The following is an entry in ClinVar:

ClinVar aggregate classification (germline): Conflicting classifications of pathogenicity. Review status: criteria provided, conflicting classifications (1 of 4 stars). 3 submissions from 3 submitters: Likely pathogenic (1); Uncertain significance (1). 1 of the submissions does not count toward it. Last evaluated 2023-05-12.

Conditions:
Lethal left ventricular non-compaction-seizures-hypotonia-cataract-developmental delay syndrome. Also called: Combined oxidative phosphorylation deficiency 31. Identifiers: Orphanet 478049, MedGen C4310661, MONDO:0014976, OMIM 617228.
Floppy infant. Also called: Infantile muscular hypotonia. Identifiers: MedGen C1860834, HP:0008947.
Cardiomyopathy (CMYO). Also called: Cardiomyopathies. Identifiers: Orphanet 167848, MedGen C0878544, MONDO:0004994, HP:0001638. Inheritance: Various modes of inheritance.
Left ventricular noncompaction. Identifiers: Orphanet 54260, MedGen C1960469, MONDO:0018901, HP:0030682.

Allele frequency attached by ClinVar (database versions not stated): ExAC 0.00001; gnomAD exomes 0.00001; TOPMed 0.00001; gnomAD 0.00002; ESP Exome Variant Server 0.00008.
gnomAD v4.1: 11 of 1,609,958 alleles (0.00068%); highest among the groups gnomAD compares: Non-Finnish European, 0.00085%; no homozygotes.

Submissions (3):

Labcorp Genetics (formerly Invitae), Labcorp
Classification: Likely pathogenic. Last evaluated: 2023-05-12. Review status: criteria provided, single submitter. Criteria: Invitae Variant Classification Sherloc (09022015). Collection method: clinical testing. Allele origin: germline.
Comment: This sequence change replaces leucine, which is neutral and non-polar, with phenylalanine, which is neutral and non-polar, at codon 306 of the MIPEP protein (p.Leu306Phe). In summary, the currently available evidence indicates that the variant is pathogenic, but additional data are needed to prove that conclusively. Therefore, this variant has been classified as Likely Pathogenic. Experimental studies have shown that this missense change affects MIPEP function (PMID: 27799064). Advanced modeling of protein sequence and biophysical properties (such as structural, functional, and spatial information, amino acid conservation, physicochemical variation, residue mobility, and thermodynamic stability) has been performed at Invitae for this missense variant, however the output from this modeling did not meet the statistical confidence thresholds required to predict the impact of this variant on MIPEP protein function. ClinVar contains an entry for this variant (Variation ID: 208630). This missense change has been observed in individual(s) with combined oxidative phosphorylation deficiency (PMID: 27799064, 34620555). In at least one individual the data is consistent with being in trans (on the opposite chromosome) from a pathogenic variant. This variant is present in population databases (rs143912947, gnomAD 0.002%).

Baylor Genetics
Classification: Uncertain significance for Cardiomyopathy; Left ventricular noncompaction; Infantile muscular hypotonia. Last evaluated: 2015-06-17. Review status: criteria provided, single submitter. Criteria: Eldomery et al. (Genome Med. 2016). Collection method: clinical testing. Allele origin: germline. Inheritance: Autosomal recessive inheritance. Affected: yes. Observed: 1 variant allele, 1 compound heterozygote. Study: MIPEP.

OMIM
Classification: Pathogenic for COMBINED OXIDATIVE PHOSPHORYLATION DEFICIENCY 31. Last evaluated: 2021-12-22. Review status: no assertion criteria provided. Collection method: literature only. Allele origin: germline. Not counted in ClinVar's aggregate classification.

Literature cited by the submitters: PubMed 27799064 (cited by Labcorp Genetics (formerly Invitae), Labcorp and OMIM); PubMed 34620555 (cited by Labcorp Genetics (formerly Invitae), Labcorp); Pulman, J., Ruzzenente, B., Horak, M., Barcia, G., Boddaert, N., Munnich, A., Rotig, A., Metodiev, M. D. Variants in the MIPEP gene presenting with complex neurological phenotype without cardiomyopathy, impair OXPHOS protein maturation and lead to a reduced OXPHOS abundance in patient cells. Molec. Genet. Metab. 134: 267-273, 2021. (cited by OMIM).

NM_005932.4(MIPEP):c.916C>T (p.Leu306Phe)

Gene: MIPEP (mitochondrial intermediate peptidase; minus strand). Cytogenetic location: 13q12.12.
Variant type: single nucleotide variant.
Coding change: c.916C>T on transcript NM_005932.4 (MANE Select); coding-DNA position 916, C replaced by T.
Protein change: p.Leu306Phe; replaces leucine 306 with phenylalanine.
Molecular consequence: missense variant.
Genome position (GRCh38, 1-based): chr13:23,869,319, G>A on the plus strand (C>T on the coding strand, the complement: MIPEP is on the minus strand). VCF-style: chr13-23869319-G-A. GRCh37 (hg19) VCF-style: chr13-24443458-G-A.
Other names: MIPEP, LEU306PHE (rs143912947); short protein forms L306F.
Identifiers: ClinVar variation 208630 (VCV000208630.12), dbSNP rs143912947, ClinGen allele CA6913172.